The following is an entry in ClinVar:

ClinVar aggregate classification (germline): Uncertain significance (0 of 4 stars; one submission).

Conditions:
DEAF1-related disorder.

gnomAD v4.1: 1 of 1,613,018 alleles (0.000062%); no homozygotes.

Submission:

PreventionGenetics, part of Exact Sciences
Classification: Uncertain significance for DEAF1-related condition. Last evaluated: 2024-04-30. Review status: no assertion criteria provided. Collection method: clinical testing. Allele origin: germline.
Comment: The DEAF1 c.1680G>A variant is predicted to result in the amino acid substitution p.Met560Ile. To our knowledge, this variant has not been reported in the literature or in a large population database, indicating this variant is rare. At this time, the clinical significance of this variant is uncertain due to the absence of conclusive functional and genetic evidence.

NM_021008.4(DEAF1):c.1680G>A (p.Met560Ile)

Gene: DEAF1 (DEAF1 transcription factor; minus strand). Cytogenetic location: 11p15.5.
Variant type: single nucleotide variant.
Coding change: c.1680G>A on transcript NM_021008.4 (MANE Select); coding-DNA position 1680, G replaced by A.
Protein change: p.Met560Ile; replaces methionine 560 with isoleucine.
Molecular consequence: missense variant.
Genome position (GRCh38, 1-based): chr11:644,568, C>T on the plus strand (G>A on the coding strand, the complement: DEAF1 is on the minus strand). VCF-style: chr11-644568-C-T. GRCh37 (hg19) VCF-style: chr11-644568-C-T.
Other names: c.1455G>A, p.Met485Ile (NM_001293634.2); c.954G>A, p.Met318Ile (NM_001367390.1); short protein forms M318I, M485I, M560I.
Identifiers: ClinVar variation 3347214 (VCV003347214.1).